The following is an entry in ClinVar:

ClinVar aggregate classification (germline): Pathogenic (1 of 4 stars; one submission).

Conditions:
Spastic paraplegia. Identifiers: MedGen C0037772, HP:0001258.

Submission:

Labcorp Genetics (formerly Invitae), Labcorp
Classification: Pathogenic for Spastic paraplegia. Last evaluated: 2022-08-23. Review status: criteria provided, single submitter. Criteria: Invitae Variant Classification Sherloc (09022015). Collection method: clinical testing. Allele origin: germline.
Comment: This variant has not been reported in the literature in individuals affected with SACS-related conditions. For these reasons, this variant has been classified as Pathogenic. This variant disrupts a region of the SACS protein in which other variant(s) (p.Asn4549Asp) have been determined to be pathogenic (PMID: 15156359, 21507954). This suggests that this is a clinically significant region of the protein, and that variants that disrupt it are likely to be disease-causing. This variant is not present in population databases (gnomAD no frequency). This sequence change creates a premature translational stop signal (p.Trp4472Leufs*5) in the SACS gene. While this is not anticipated to result in nonsense mediated decay, it is expected to disrupt the last 108 amino acid(s) of the SACS protein.

Literature cited by the submitters: PubMed 15156359; PubMed 21507954.

NM_014363.6(SACS):c.13414dup (p.Trp4472fs)

Gene: SACS (sacsin molecular chaperone; minus strand). Cytogenetic location: 13q12.12.
Variant type: Duplication.
Coding change: c.13414dup on transcript NM_014363.6 (MANE Select); coding-DNA position 13414, one base duplicated (T; older notation c.13414dupT).
Protein change: p.Trp4472fs; shifts the reading frame from tryptophan 4472.
Molecular consequence: frameshift variant.
Genome position (GRCh38, 1-based): chr13:23,330,462, A duplicated on the plus strand (T on the coding strand, the reverse complement: SACS is on the minus strand). VCF-style (leftmost placement, unchanged base first): chr13-23330461-C-CA. GRCh37 (hg19) VCF-style: chr13-23904600-C-CA.
Other names: c.12973dup, p.Trp4325fs (NM_001278055.2); short protein forms W4472fs, W4325fs.
Identifiers: ClinVar variation 2023688 (VCV002023688.4), dbSNP rs2542138352, ClinGen allele CA2580086872.